The following is an entry in ClinVar:

NM_004304.5(ALK):c.4747A>G (p.Asn1583Asp)

Gene: ALK (ALK receptor tyrosine kinase; minus strand). Cytogenetic location: 2p23.2.
Variant type: single nucleotide variant.
Coding change: c.4747A>G on transcript NM_004304.5 (MANE Select); coding-DNA position 4747, A replaced by G.
Protein change: p.Asn1583Asp; replaces asparagine 1583 with aspartic acid.
Molecular consequence: missense variant.
Genome position (GRCh38, 1-based): chr2:29,193,340, T>C on the plus strand (A>G on the coding strand, the complement: ALK is on the minus strand). VCF-style: chr2-29193340-T-C. GRCh37 (hg19) VCF-style: chr2-29416206-T-C.
Other names: c.1543A>G, p.Asn515Asp (NM_001353765.2); short protein forms N1583D, N515D.
Identifiers: ClinVar variation 1433292 (VCV001433292.8), dbSNP rs781448587, ClinGen allele CA1593495.

ClinVar aggregate classification (germline): Uncertain significance (1 of 4 stars; one submission).

Conditions:
Neuroblastoma, susceptibility to, 3. Also called: ALK-Related Neuroblastic Tumor Susceptibility. Identifiers: Orphanet 635, MedGen C2751681, MONDO:0013083, OMIM 613014.

Allele frequency attached by ClinVar (database versions not stated): gnomAD exomes below 0.00001; ExAC 0.00001.

Submission:

Labcorp Genetics (formerly Invitae), Labcorp
Classification: Uncertain significance for Neuroblastoma, susceptibility to, 3. Last evaluated: 2022-10-20. Review status: criteria provided, single submitter. Criteria: Invitae Variant Classification Sherloc (09022015). Collection method: clinical testing. Allele origin: germline.
Comment: In summary, the available evidence is currently insufficient to determine the role of this variant in disease. Therefore, it has been classified as a Variant of Uncertain Significance. Algorithms developed to predict the effect of missense changes on protein structure and function (SIFT, PolyPhen-2, Align-GVGD) all suggest that this variant is likely to be tolerated. ClinVar contains an entry for this variant (Variation ID: 1433292). This variant has not been reported in the literature in individuals affected with ALK-related conditions. This variant is present in population databases (rs781448587, gnomAD 0.003%). This sequence change replaces asparagine, which is neutral and polar, with aspartic acid, which is acidic and polar, at codon 1583 of the ALK protein (p.Asn1583Asp).